The following is an entry in ClinVar:

NM_000260.4(MYO7A):c.1521C>G (p.Ile507Met)

Gene: MYO7A (myosin VIIA; plus strand). Cytogenetic location: 11q13.5.
Variant type: single nucleotide variant.
Coding change: c.1521C>G on transcript NM_000260.4 (MANE Select); coding-DNA position 1521, C replaced by G.
Protein change: p.Ile507Met; replaces isoleucine 507 with methionine.
Molecular consequence: missense variant.
Genome position (GRCh38, 1-based): chr11:77,162,297, C>G. VCF-style: chr11-77162297-C-G. GRCh37 (hg19) VCF-style: chr11-76873343-C-G.
Other names: c.1521C>G, p.Ile507Met (NM_001127180.2); c.1488C>G, p.Ile496Met (NM_001369365.1); short protein forms I496M, I507M.
Identifiers: ClinVar variation 3007060 (VCV003007060.3), dbSNP rs1953075641, ClinGen allele CA381935731.

ClinVar aggregate classification (germline): Uncertain significance (1 of 4 stars; one submission).

Allele frequency attached by ClinVar (database versions not stated): gnomAD 0.00001.
gnomAD v4.1: 1 of 1,552,096 alleles (0.000064%); highest among the groups gnomAD compares: Admixed American, 0.002%; no homozygotes.

Submission:

Labcorp Genetics (formerly Invitae), Labcorp
Classification: Uncertain significance. Last evaluated: 2023-10-17. Review status: criteria provided, single submitter. Criteria: Invitae Variant Classification Sherloc (09022015). Collection method: clinical testing. Allele origin: germline.
Comment: This sequence change replaces isoleucine, which is neutral and non-polar, with methionine, which is neutral and non-polar, at codon 507 of the MYO7A protein (p.Ile507Met). This variant is not present in population databases (gnomAD no frequency). This variant has not been reported in the literature in individuals affected with MYO7A-related conditions. Advanced modeling of protein sequence and biophysical properties (such as structural, functional, and spatial information, amino acid conservation, physicochemical variation, residue mobility, and thermodynamic stability) performed at Invitae indicates that this missense variant is not expected to disrupt MYO7A protein function. In summary, the available evidence is currently insufficient to determine the role of this variant in disease. Therefore, it has been classified as a Variant of Uncertain Significance.